The following is an entry in ClinVar:

ClinVar aggregate classification (germline): Uncertain significance (1 of 4 stars; one submission).

Allele frequency attached by ClinVar (database versions not stated): gnomAD exomes below 0.00001 and 0.00002; TOPMed 0.00001.
gnomAD v4.1: 33 of 1,614,154 alleles (0.002%); highest among the groups gnomAD compares: Non-Finnish European, 0.0028%; no homozygotes.

Submission:

Labcorp Genetics (formerly Invitae), Labcorp
Classification: Uncertain significance. Last evaluated: 2024-01-24. Review status: criteria provided, single submitter. Criteria: Invitae Variant Classification Sherloc (09022015). Collection method: clinical testing. Allele origin: germline.
Comment: This sequence change replaces threonine, which is neutral and polar, with serine, which is neutral and polar, at codon 201 of the IFT43 protein (p.Thr201Ser). This variant is present in population databases (rs776994656, gnomAD 0.0009%). This variant has not been reported in the literature in individuals affected with IFT43-related conditions. ClinVar contains an entry for this variant (Variation ID: 1497798). Algorithms developed to predict the effect of missense changes on protein structure and function output the following: SIFT: "Not Available"; PolyPhen-2: "Benign"; Align-GVGD: "Not Available". The serine amino acid residue is found in multiple mammalian species, which suggests that this missense change does not adversely affect protein function. In summary, the available evidence is currently insufficient to determine the role of this variant in disease. Therefore, it has been classified as a Variant of Uncertain Significance.

NM_001102564.3(IFT43):c.586A>T (p.Thr196Ser)

Gene: IFT43 (intraflagellar transport 43; plus strand). Cytogenetic location: 14q24.3.
Variant type: single nucleotide variant.
Coding change: c.586A>T on transcript NM_001102564.3 (MANE Select); coding-DNA position 586, A replaced by T.
Protein change: p.Thr196Ser; replaces threonine 196 with serine.
Molecular consequence: missense variant. On other transcripts: non-coding transcript variant (2).
Genome position (GRCh38, 1-based): chr14:76,083,536, A>T. VCF-style: chr14-76083536-A-T. GRCh37 (hg19) VCF-style: chr14-76549879-A-T.
Other names: c.601A>T, p.Thr201Ser (NM_052873.3); short protein forms T201S, T196S.
Identifiers: ClinVar variation 1497798 (VCV001497798.6), dbSNP rs776994656, ClinGen allele CA263709153.